The following is an entry in ClinVar:

ClinVar aggregate classification (germline): Uncertain significance (1 of 4 stars; one submission).

Conditions:
Cardiovascular phenotype. Identifiers: MedGen CN230736.

gnomAD v4.1: 1 of 1,614,006 alleles (0.000062%); highest among the groups gnomAD compares: East Asian, 0.0022%; no homozygotes.

Submission:

Ambry Genetics
Classification: Uncertain significance for Cardiovascular phenotype. Last evaluated: 2025-08-28. Review status: criteria provided, single submitter. Criteria: Ambry Variant Classification Scheme 2023. Collection method: clinical testing. Allele origin: germline.
Comment: The p.H2918D variant (also known as c.8752C>G), located in coding exon 26 of the APOB gene, results from a C to G substitution at nucleotide position 8752. The histidine at codon 2918 is replaced by aspartic acid, an amino acid with similar properties. This amino acid position is conserved. In addition, this alteration is predicted to be tolerated by in silico analysis. Based on the available evidence, the clinical significance of this variant remains unclear.

NM_000384.3(APOB):c.8752C>G (p.His2918Asp)

Gene: APOB (apolipoprotein B; minus strand). Cytogenetic location: 2p24.1.
Variant type: single nucleotide variant.
Coding change: c.8752C>G on transcript NM_000384.3 (MANE Select); coding-DNA position 8752, C replaced by G.
Protein change: p.His2918Asp; replaces histidine 2918 with aspartic acid.
Molecular consequence: missense variant.
Genome position (GRCh38, 1-based): chr2:21,008,116, G>C on the plus strand (C>G on the coding strand, the complement: APOB is on the minus strand). VCF-style: chr2-21008116-G-C. GRCh37 (hg19) VCF-style: chr2-21230988-G-C.
Other names: short protein forms H2918D.
Identifiers: ClinVar variation 4125403 (VCV004125403.1).